The following is an entry in ClinVar:

NM_016507.4(CDK12):c.1612C>A (p.Pro538Thr)

Gene: CDK12 (cyclin dependent kinase 12; plus strand). Cytogenetic location: 17q12.
Variant type: single nucleotide variant.
Coding change: c.1612C>A on transcript NM_016507.4 (MANE Select); coding-DNA position 1612, C replaced by A.
Protein change: p.Pro538Thr; replaces proline 538 with threonine.
Molecular consequence: missense variant.
Genome position (GRCh38, 1-based): chr17:39,471,444, C>A. VCF-style: chr17-39471444-C-A. GRCh37 (hg19) VCF-style: chr17-37627697-C-A.
Other names: c.1612C>A, p.Pro538Thr (NM_015083.4); short protein forms P538T.
Identifiers: ClinVar variation 4841676 (VCV004841676.1).

ClinVar aggregate classification (germline): Uncertain significance (1 of 4 stars; one submission).

Submission:

Ambry Genetics
Classification: Uncertain significance. Last evaluated: 2025-12-21. Review status: criteria provided, single submitter. Criteria: Ambry Variant Classification Scheme 2023. Collection method: clinical testing. Allele origin: germline.
Comment: The p.P538T variant (also known as c.1612C>A), located in coding exon 2 of the CDK12 gene, results from a C to A substitution at nucleotide position 1612. The proline at codon 538 is replaced by threonine, an amino acid with highly similar properties. This amino acid position is conserved. In addition, this alteration is predicted to be tolerated by in silico analysis. Based on the available evidence, the clinical significance of this variant remains unclear.